The following is an entry in ClinVar:

ClinVar aggregate classification (germline): Uncertain significance. Review status: criteria provided, multiple submitters, no conflicts (2 of 4 stars). 2 submissions from 2 submitters: Uncertain significance (2). Last evaluated 2025-02-27.

Conditions:
Hereditary cancer-predisposing syndrome. Also called: Neoplastic Syndromes, Hereditary; Tumor predisposition; Hereditary neoplastic syndrome; Hereditary Cancer Syndrome. Identifiers: Orphanet 140162, MedGen C0027672, MeSH D009386, MONDO:0015356.

Submissions (2):

Ambry Genetics
Classification: Uncertain significance for Hereditary cancer-predisposing syndrome. Last evaluated: 2025-02-27. Review status: criteria provided, single submitter. Criteria: Ambry Variant Classification Scheme 2023. Collection method: clinical testing. Allele origin: germline.
Comment: The p.Y1696D variant (also known as c.5086T>G), located in coding exon 33 of the ATM gene, results from a T to G substitution at nucleotide position 5086. The tyrosine at codon 1696 is replaced by aspartic acid, an amino acid with highly dissimilar properties. This amino acid position is not well conserved in available vertebrate species. In addition, this alteration is predicted to be tolerated by in silico analysis. Based on the available evidence, the clinical significance of this variant remains unclear.

Color Diagnostics, LLC DBA Color Health
Classification: Uncertain significance for Hereditary cancer-predisposing syndrome. Last evaluated: 2023-12-05. Review status: criteria provided, single submitter. Criteria: ACMG Guidelines, 2015. Collection method: clinical testing. Allele origin: germline.
Comment: This missense variant replaces tyrosine with aspartic acid at codon 1696 of the ATM protein. Computational prediction suggests that this variant may not impact protein structure and function (internally defined REVEL score threshold <= 0.5, PMID: 27666373). To our knowledge, functional studies have not been reported for this variant. This variant has not been reported in individuals affected with ATM-related disorders in the literature. This variant has not been identified in the general population by the Genome Aggregation Database (gnomAD). The available evidence is insufficient to determine the role of this variant in disease conclusively. Therefore, this variant is classified as a Variant of Uncertain Significance.

NM_000051.4(ATM):c.5086T>G (p.Tyr1696Asp)

Gene: ATM (ATM serine/threonine kinase; plus strand). Cytogenetic location: 11q22.3.
Variant type: single nucleotide variant.
Coding change: c.5086T>G on transcript NM_000051.4 (MANE Select); coding-DNA position 5086, T replaced by G.
Protein change: p.Tyr1696Asp; replaces tyrosine 1696 with aspartic acid.
Molecular consequence: missense variant.
Genome position (GRCh38, 1-based): chr11:108,299,794, T>G. VCF-style: chr11-108299794-T-G. GRCh37 (hg19) VCF-style: chr11-108170521-T-G.
Other names: c.5086T>G, p.Tyr1696Asp (NM_001351834.2); short protein forms Y1696D.
Identifiers: ClinVar variation 825425 (VCV000825425.9), dbSNP rs1591702471, ClinGen allele CA382540650.
Genomic context (GRCh38, chr11:108,299,794, plus strand): 5'-GGAGAAGTGGGTCCTATAGATTTCTCTACCATAGCTATACAACATAGTAAAGATGCATCT[T>G]ATACCAAGGCCCTTAAGTTATTTGAAGATAAAGAACTTCAGTGGACCTTCATAATGCTGA-3'
Protein context (NP_000042.3, residues 1686-1706): IAIQHSKDAS[Tyr1696Asp]TKALKLFEDK